The following is an entry in ClinVar:

ClinVar aggregate classification (germline): Uncertain significance (0 of 4 stars; one submission).

Conditions:
NCOA1-related disorder. Also called: NCOA1-related condition.

Submission:

PreventionGenetics, part of Exact Sciences
Classification: Uncertain significance for NCOA1-related condition. Last evaluated: 2024-03-05. Review status: no assertion criteria provided. Collection method: clinical testing. Allele origin: germline.
Comment: The NCOA1 c.4159A>C variant is predicted to result in the amino acid substitution p.Lys1387Gln. This variant is referred to as c.4156-139A>C (intronic) with an alternate transcript NM_003743. To our knowledge, this variant has not been reported in the literature or in a large population database, indicating this variant is rare. At this time, the clinical significance of this variant is uncertain due to the absence of conclusive functional and genetic evidence.

NM_003743.5(NCOA1):c.4156-139A>C

Gene: NCOA1 (nuclear receptor coactivator 1; plus strand). Cytogenetic location: 2p23.3.
Variant type: single nucleotide variant.
Coding change: c.4156-139A>C on transcript NM_003743.5 (MANE Select); 139 bases into the intron before coding-DNA position 4156, A replaced by C.
Molecular consequence: intron variant. On other transcripts: missense variant (5).
Genome position (GRCh38, 1-based): chr2:24,768,082, A>C. VCF-style: chr2-24768082-A-C. GRCh37 (hg19) VCF-style: chr2-24990951-A-C.
Other names: c.4159A>C, p.Lys1387Gln (NM_001362950.1, NM_001362952.1, NM_001362954.1 and 2 more transcripts); c.4156-142A>C (NM_147233.2); short protein forms K1387Q.
Identifiers: ClinVar variation 3348435 (VCV003348435.1).